The following is an entry in ClinVar:

ClinVar aggregate classification (germline): Likely benign (0 of 4 stars; one submission).

Conditions:
GNAS-related disorder. Identifiers: MedGen CN380105.

Allele frequency attached by ClinVar (database versions not stated): TOPMed below 0.00001.
gnomAD v4.1: 1 of 1,612,726 alleles (0.000062%); highest among the groups gnomAD compares: Non-Finnish European, 0.000085%; no homozygotes.

Submission:

PreventionGenetics, part of Exact Sciences
Classification: Likely benign for GNAS-related condition. Last evaluated: 2022-06-29. Review status: no assertion criteria provided. Collection method: clinical testing. Allele origin: germline.
Comment: This variant is classified as likely benign based on ACMG/AMP sequence variant interpretation guidelines (Richards et al. 2015 PMID: 25741868, with internal and published modifications).

NM_000516.7(GNAS):c.*10C>G

Gene: GNAS (GNAS complex locus; plus strand). Cytogenetic location: 20q13.32.
Variant type: single nucleotide variant.
Coding change: c.*10C>G on transcript NM_000516.7 (MANE Select); 10 bases downstream of the stop codon, C replaced by G.
Molecular consequence: 3 prime UTR variant.
Genome position (GRCh38, 1-based): chr20:58,910,839, C>G. VCF-style: chr20-58910839-C-G. GRCh37 (hg19) VCF-style: chr20-57485894-C-G.
Other names: c.*10C>G (NM_001077488.5, NM_001077489.4, NM_001309840.2 and 5 more transcripts); c.*1056C>G (NM_001077490.3); c.*1101C>G (NM_016592.5).
Identifiers: ClinVar variation 3031132 (VCV003031132.2), dbSNP rs1601173402, ClinGen allele CA2372529847.
Genomic context (GRCh38, chr20:58,910,839, plus strand): 5'-TGCCGTGACATCATTCAGCGCATGCACCTTCGTCAGTACGAGCTGCTCTAAGAAGGGAAC[C>G]CCCAAATTTAATTAAAGCCTTAAGCACAATTAATTAAAAGTGAAACGTAATTGTACAAGC-3'